The following is an entry in ClinVar:

NM_000179.3(MSH6):c.2287G>A (p.Asp763Asn)

Gene: MSH6 (mutS homolog 6; plus strand). Cytogenetic location: 2p16.3.
Variant type: single nucleotide variant.
Coding change: c.2287G>A on transcript NM_000179.3 (MANE Select); coding-DNA position 2287, G replaced by A.
Protein change: p.Asp763Asn; replaces aspartic acid 763 with asparagine.
Molecular consequence: missense variant.
Genome position (GRCh38, 1-based): chr2:47,800,270, G>A. VCF-style: chr2-47800270-G-A. GRCh37 (hg19) VCF-style: chr2-48027409-G-A.
Other names: c.1897G>A, p.Asp633Asn (NM_001281492.2); c.1381G>A, p.Asp461Asn (NM_001281493.2, NM_001281494.2); short protein forms D763N, D461N, D633N.
Identifiers: ClinVar variation 619576 (VCV000619576.3), dbSNP rs1558664969, ClinGen allele CA346752932.

ClinVar aggregate classification (germline): Uncertain significance (1 of 4 stars; one submission).

Conditions:
Lynch syndrome. Identifiers: Orphanet 144, MedGen C4552100, MONDO:0005835. Disease mechanism: loss of function.

Submission:

University of Washington Department of Laboratory Medicine, University of Washington
Classification: Uncertain significance for Lynch syndrome. Last evaluated: 2018-05-01. Review status: criteria provided, single submitter. Criteria: Shirts BH et al. (Am J Hum Genet 2018). Collection method: clinical testing. Allele origin: somatic. Affected: yes.
Comment: MSH6 NM_000179.2:c.2287G>A has a 89.9% probability of pathogenicity based on combining prior probability from public data with a likelihood ratio of 1.56 to 1, generated from evidence of seeing this as a somatic mutation in a tumor without loss of heterozygosity at the MSH6 locus. See Shirts et al 2018, PMID 29887214.